The following is an entry in ClinVar:

NM_001059.3(TACR3):c.964A>G (p.Thr322Ala)

Genes: TACR3 (tachykinin receptor 3; minus strand), TACR3-AS1 (TACR3 antisense RNA 1; plus strand). Cytogenetic location: 4q24.
Variant type: single nucleotide variant.
Coding change: c.964A>G on transcript NM_001059.3 (MANE Select); coding-DNA position 964, A replaced by G.
Protein change: p.Thr322Ala; replaces threonine 322 with alanine.
Molecular consequence: missense variant.
Genome position (GRCh38, 1-based): chr4:103,591,608, T>C on the plus strand (A>G on the coding strand, the complement: TACR3 is on the minus strand). VCF-style: chr4-103591608-T-C. GRCh37 (hg19) VCF-style: chr4-104512765-T-C.
Other names: short protein forms T322A.
Identifiers: ClinVar variation 1960284 (VCV001960284.6), dbSNP rs369387303, ClinGen allele CA3031008.

ClinVar aggregate classification (germline): Uncertain significance. Review status: criteria provided, multiple submitters, no conflicts (2 of 4 stars). 2 submissions from 2 submitters: Uncertain significance (2). Last evaluated 2024-07-02.

Conditions:
Inborn genetic diseases. Identifiers: MedGen C0950123, MeSH D030342.

Allele frequency attached by ClinVar (database versions not stated): ExAC 0.00001; gnomAD 0.00003; TOPMed 0.00003; ESP Exome Variant Server 0.00008.
gnomAD v4.1: 5 of 1,613,658 alleles (0.00031%); highest among the groups gnomAD compares: African/African-American, 0.0067%; no homozygotes.

Submissions (2):

Ambry Genetics
Classification: Uncertain significance for Inborn genetic diseases. Last evaluated: 2024-07-02. Review status: criteria provided, single submitter. Criteria: Ambry Variant Classification Scheme 2023. Collection method: clinical testing. Allele origin: germline.

Labcorp Genetics (formerly Invitae), Labcorp
Classification: Uncertain significance. Last evaluated: 2021-12-19. Review status: criteria provided, single submitter. Criteria: Invitae Variant Classification Sherloc (09022015). Collection method: clinical testing. Allele origin: germline.
Comment: In summary, the available evidence is currently insufficient to determine the role of this variant in disease. Therefore, it has been classified as a Variant of Uncertain Significance. Algorithms developed to predict the effect of missense changes on protein structure and function are either unavailable or do not agree on the potential impact of this missense change (SIFT: "Tolerated"; PolyPhen-2: "Probably Damaging"; Align-GVGD: "Class C0"). This variant has not been reported in the literature in individuals affected with TACR3-related conditions. This variant is present in population databases (rs369387303, gnomAD 0.008%). This sequence change replaces threonine, which is neutral and polar, with alanine, which is neutral and non-polar, at codon 322 of the TACR3 protein (p.Thr322Ala).